The following is an entry in ClinVar:

NM_001098816.3(TENM4):c.277G>A (p.Gly93Arg)

Gene: TENM4 (teneurin transmembrane protein 4; minus strand). Cytogenetic location: 11q14.1.
Variant type: single nucleotide variant.
Coding change: c.277G>A on transcript NM_001098816.3 (MANE Select); coding-DNA position 277, G replaced by A.
Protein change: p.Gly93Arg; replaces glycine 93 with arginine.
Molecular consequence: missense variant.
Genome position (GRCh38, 1-based): chr11:79,064,954, C>T on the plus strand (G>A on the coding strand, the complement: TENM4 is on the minus strand). VCF-style: chr11-79064954-C-T. GRCh37 (hg19) VCF-style: chr11-78775999-C-T.
Other names: c.277G>A (NM_001098816.2); short protein forms G93R.
Identifiers: ClinVar variation 2437040 (VCV002437040.18), dbSNP rs561431723, ClinGen allele CA6207710.

ClinVar aggregate classification (germline): Conflicting classifications of pathogenicity. Review status: criteria provided, conflicting classifications (1 of 4 stars). 3 submissions from 3 submitters: Uncertain significance (2); Likely benign (1). Last evaluated 2024-09-01.

Conditions:
Tremor, hereditary essential, 5 (ETM5). Identifiers: MedGen C4225223, MONDO:0014756, OMIM 616736.

Allele frequency attached by ClinVar (database versions not stated): ExAC 0.00014; TOPMed 0.00018; 1000 Genomes Project 30x 0.00031; 1000 Genomes Project 0.00040.
gnomAD v4.1: 428 of 1,483,850 alleles (0.029%); highest among the groups gnomAD compares: South Asian, 0.11%; no homozygotes.

Submissions (3):

CeGaT Center for Human Genetics Tuebingen
Classification: Likely benign. Last evaluated: 2024-09-01. Review status: criteria provided, single submitter. Criteria: CeGaT Center For Human Genetics Tuebingen Variant Classification Criteria Version 2. Collection method: clinical testing. Allele origin: germline. Affected: yes. Observed: 1 variant allele.
Comment: TENM4: BS1

Revvity Omics, Revvity
Classification: Uncertain significance for Tremor, hereditary essential, 5. Last evaluated: 2022-05-27. Review status: criteria provided, single submitter. Criteria: ACMG Guidelines, 2015. Collection method: clinical testing. Allele origin: germline.

Ambry Genetics
Classification: Uncertain significance. Last evaluated: 2021-08-02. Review status: criteria provided, single submitter. Criteria: Ambry Variant Classification Scheme 2023. Collection method: clinical testing. Allele origin: germline.